The following is an entry in ClinVar:

ClinVar aggregate classification (germline): Pathogenic/Likely pathogenic. Review status: criteria provided, multiple submitters, no conflicts (2 of 4 stars). 2 submissions from 2 submitters: Pathogenic (1); Likely pathogenic (1). Last evaluated 2025-12-17.

Conditions:
Odonto-onycho-dermal dysplasia. Identifiers: Orphanet 2721, MedGen C0796093, MONDO:0009773, OMIM 257980.
Tooth agenesis, selective, 4 (STHAG4). Also called: SUCCEDANEOUS TEETH, AGENESIS OF; TOOTH AGENESIS, SELECTIVE, 4, WITH OR WITHOUT ECTODERMAL DYSPLASIA; LATERAL INCISORS, ABSENCE OF; LATERAL INCISORS, PEGGED OR MISSING. Identifiers: Orphanet 99798, MedGen C1835492, MONDO:0007881, OMIM 150400. Disease mechanism: loss of function.
Schöpf-Schulz-Passarge syndrome. Also called: ECCRINE TUMORS WITH ECTODERMAL DYSPLASIA; KERATOSIS PALMOPLANTARIS WITH CYSTIC EYELIDS, HYPODONTIA, AND HYPOTRICHOSIS; SchC6pf-Schulz-Passarge syndrome. Identifiers: Orphanet 50944, MedGen C1857069, MONDO:0009145, OMIM 224750.

Submissions (2):

Labcorp Genetics (formerly Invitae), Labcorp
Classification: Pathogenic for Tooth agenesis, selective, 4; Odonto-onycho-dermal dysplasia. Last evaluated: 2025-12-17. Review status: criteria provided, single submitter. Criteria: Invitae Variant Classification Sherloc (09022015). Collection method: clinical testing. Allele origin: germline.
Comment: This sequence change creates a premature translational stop signal (p.Gln97*) in the WNT10A gene. It is expected to result in an absent or disrupted protein product. Loss-of-function variants in WNT10A are known to be pathogenic (PMID: 17847007, 22581971, 25629078). This variant is not present in population databases (gnomAD no frequency). This variant has not been reported in the literature in individuals affected with WNT10A-related conditions. For these reasons, this variant has been classified as Pathogenic.

Natera, Inc.
Classification: Likely pathogenic for Schopf-Schulz-Passarge syndrome. Last evaluated: 2024-06-03. Review status: criteria provided, single submitter. Criteria: Natera Variant Classification Schema (03/2026). Collection method: clinical testing. Allele origin: germline.
Comment: The c.289C>T variant in WNT10A is a nonsense variant predicted to introduce a stop codon at amino acid 97. This variant is expected to result in nonsense mediated decay, truncation, or a dysfunctional protein product. This variant is rare in the general population with a frequency below the threshold expected for the associated phenotype(s). Given the available evidence, this variant is classified as Likely Pathogenic.

Literature cited by the submitters: PubMed 17847007 (cited by Labcorp Genetics (formerly Invitae), Labcorp); PubMed 22581971 (cited by Labcorp Genetics (formerly Invitae), Labcorp); PubMed 25629078 (cited by Labcorp Genetics (formerly Invitae), Labcorp).

NM_025216.3(WNT10A):c.289C>T (p.Gln97Ter)

Gene: WNT10A (Wnt family member 10A; plus strand). Cytogenetic location: 2q35.
Variant type: single nucleotide variant.
Coding change: c.289C>T on transcript NM_025216.3 (MANE Select); coding-DNA position 289, C replaced by T.
Protein change: p.Gln97Ter; replaces glutamine 97 with a stop codon.
Molecular consequence: nonsense.
Genome position (GRCh38, 1-based): chr2:218,882,336, C>T. VCF-style: chr2-218882336-C-T. GRCh37 (hg19) VCF-style: chr2-219747058-C-T.
Other names: c.289C>T (NM_025216.2); short protein forms Q97*.
Identifiers: ClinVar variation 4787065 (VCV004787065.2).